The following is an entry in ClinVar:

ClinVar aggregate classification (germline): Uncertain significance (1 of 4 stars; one submission).

Conditions:
Inborn genetic diseases. Identifiers: MedGen C0950123, MeSH D030342.

gnomAD v4.1: 3 of 1,416,216 alleles (0.00021%); highest among the groups gnomAD compares: Non-Finnish European, 0.00027%; no homozygotes.

Submission:

Ambry Genetics
Classification: Uncertain significance for Inborn genetic diseases. Last evaluated: 2025-04-07. Review status: criteria provided, single submitter. Criteria: Ambry Variant Classification Scheme 2023. Collection method: clinical testing. Allele origin: germline.
Comment: The p.R235H variant (also known as c.704G>A), located in coding exon 1 of the SH2B3 gene, results from a G to A substitution at nucleotide position 704. The arginine at codon 235 is replaced by histidine, an amino acid with highly similar properties. This amino acid position is conserved. In addition, this alteration is predicted to be tolerated by in silico analysis. Based on the available evidence, the clinical significance of this variant remains unclear.

NM_005475.3(SH2B3):c.704G>A (p.Arg235His)

Gene: SH2B3 (SH2B adaptor protein 3; plus strand). Cytogenetic location: 12q24.12.
Variant type: single nucleotide variant.
Coding change: c.704G>A on transcript NM_005475.3 (MANE Select); coding-DNA position 704, G replaced by A.
Protein change: p.Arg235His; replaces arginine 235 with histidine.
Molecular consequence: missense variant.
Genome position (GRCh38, 1-based): chr12:111,418,849, G>A. VCF-style: chr12-111418849-G-A. GRCh37 (hg19) VCF-style: chr12-111856653-G-A.
Other names: short protein forms R235H.
Identifiers: ClinVar variation 3953432 (VCV003953432.1).
Genomic context (GRCh38, chr12:111,418,849, plus strand): 5'-CACGCTGGCAGCGCGGGAGGCTGGCGCTGCGCCGGGCCCCGGGCCCCGATGGCCCCGACC[G>A]CGTGCTGGAGCTCTTCGACCCACCCAAGGTAAGTAAGCCCTGCCCGCGGGGTTGCGCACT-3'
Protein context (NP_005466.1, residues 225-245): RRAPGPDGPD[Arg235His]VLELFDPPKS